The following is an entry in ClinVar:

NM_006767.4(LZTR1):c.2174G>C (p.Arg725Pro)

Gene: LZTR1 (leucine zipper like post translational regulator 1; plus strand). Cytogenetic location: 22q11.21.
Variant type: single nucleotide variant.
Coding change: c.2174G>C on transcript NM_006767.4 (MANE Select); coding-DNA position 2174, G replaced by C.
Protein change: p.Arg725Pro; replaces arginine 725 with proline.
Molecular consequence: missense variant.
Genome position (GRCh38, 1-based): chr22:20,996,067, G>C. VCF-style: chr22-20996067-G-C. GRCh37 (hg19) VCF-style: chr22-21350356-G-C.
Other names: c.2174G>C (NM_006767.3); short protein forms R725P.
Identifiers: ClinVar variation 3618065 (VCV003618065.3).

ClinVar aggregate classification (germline): Uncertain significance. Review status: criteria provided, multiple submitters, no conflicts (2 of 4 stars). 2 submissions from 2 submitters: Uncertain significance (2). Last evaluated 2025-02-08.

Conditions:
Cardiovascular phenotype. Identifiers: MedGen CN230736.
Hereditary cancer-predisposing syndrome. Also called: Hereditary Cancer Syndrome; Neoplastic Syndromes, Hereditary; Tumor predisposition; Hereditary neoplastic syndrome. Identifiers: Orphanet 140162, MedGen C0027672, MeSH D009386, MONDO:0015356.

Submissions (2):

Ambry Genetics
Classification: Uncertain significance for Cardiovascular phenotype; Hereditary cancer-predisposing syndrome. Last evaluated: 2025-02-08. Review status: criteria provided, single submitter. Criteria: Ambry Variant Classification Scheme 2023. Collection method: clinical testing. Allele origin: germline.
Comment: The p.R725P variant (also known as c.2174G>C), located in coding exon 18 of the LZTR1 gene, results from a G to C substitution at nucleotide position 2174. The arginine at codon 725 is replaced by proline, an amino acid with dissimilar properties. This amino acid position is conserved. In addition, this alteration is predicted to be deleterious by in silico analysis. Based on the available evidence, the clinical significance of this variant remains unclear.

Labcorp Genetics (formerly Invitae), Labcorp
Classification: Uncertain significance. Last evaluated: 2025-01-19. Review status: criteria provided, single submitter. Criteria: Invitae Variant Classification Sherloc (09022015). Collection method: clinical testing. Allele origin: germline.
Comment: This sequence change replaces arginine, which is basic and polar, with proline, which is neutral and non-polar, at codon 725 of the LZTR1 protein (p.Arg725Pro). This variant is not present in population databases (gnomAD no frequency). This variant has not been reported in the literature in individuals affected with LZTR1-related conditions. Invitae Evidence Modeling of protein sequence and biophysical properties (such as structural, functional, and spatial information, amino acid conservation, physicochemical variation, residue mobility, and thermodynamic stability) indicates that this missense variant is not expected to disrupt LZTR1 protein function with a negative predictive value of 80%. In summary, the available evidence is currently insufficient to determine the role of this variant in disease. Therefore, it has been classified as a Variant of Uncertain Significance.